The following is an entry in ClinVar:

NM_001854.4(COL11A1):c.5235C>G (p.Asp1745Glu)

Genes: COL11A1 (collagen type XI alpha 1 chain; minus strand), LOC126805814 (P300/CBP strongly-dependent group 1 enhancer GRCh37_chr1:103344928-103346127; plus strand). Cytogenetic location: 1p21.1.
Variant type: single nucleotide variant.
Coding change: c.5235C>G on transcript NM_001854.4 (MANE Select); coding-DNA position 5235, C replaced by G.
Protein change: p.Asp1745Glu; replaces aspartic acid 1745 with glutamic acid.
Molecular consequence: missense variant. On other transcripts: non-coding transcript variant (1).
Genome position (GRCh38, 1-based): chr1:102,879,722, G>C on the plus strand (C>G on the coding strand, the complement: COL11A1 is on the minus strand). VCF-style: chr1-102879722-G-C. GRCh37 (hg19) VCF-style: chr1-103345278-G-C.
Other names: c.4887C>G, p.Asp1629Glu (NM_001168249.1, NM_080630.4); c.5118C>G, p.Asp1706Glu (NM_001190709.2); c.5271C>G, p.Asp1757Glu (NM_080629.3); short protein forms D1745E, D1629E, D1757E, D1706E.
Identifiers: ClinVar variation 2908430 (VCV002908430.3), dbSNP rs2524160946, ClinGen allele CA341210808.

ClinVar aggregate classification (germline): Uncertain significance (1 of 4 stars; one submission).

Allele frequency attached by ClinVar (database versions not stated): gnomAD exomes 0.00001.
gnomAD v4.1: 8 of 1,613,860 alleles (0.0005%); highest among the groups gnomAD compares: Non-Finnish European, 0.00068%; no homozygotes.

Submission:

Labcorp Genetics (formerly Invitae), Labcorp
Classification: Uncertain significance. Last evaluated: 2023-11-16. Review status: criteria provided, single submitter. Criteria: Invitae Variant Classification Sherloc (09022015). Collection method: clinical testing. Allele origin: germline.
Comment: This sequence change replaces aspartic acid, which is acidic and polar, with glutamic acid, which is acidic and polar, at codon 1745 of the COL11A1 protein (p.Asp1745Glu). This variant is not present in population databases (gnomAD no frequency). This variant has not been reported in the literature in individuals affected with COL11A1-related conditions. Advanced modeling of protein sequence and biophysical properties (such as structural, functional, and spatial information, amino acid conservation, physicochemical variation, residue mobility, and thermodynamic stability) performed at Invitae indicates that this missense variant is not expected to disrupt COL11A1 protein function with a negative predictive value of 95%. In summary, the available evidence is currently insufficient to determine the role of this variant in disease. Therefore, it has been classified as a Variant of Uncertain Significance.